The following is an entry in ClinVar:

ClinVar aggregate classification (germline): Uncertain significance. Review status: criteria provided, multiple submitters, no conflicts (2 of 4 stars). 3 submissions from 3 submitters: Uncertain significance (3). Last evaluated 2026-05-14.

Conditions:
Inborn genetic diseases. Identifiers: MedGen C0950123, MeSH D030342.
RLBP1-related disorder. Also called: RLBP1-related disorders; RLBP1-related condition. Identifiers: MedGen CN239413.

Allele frequency attached by ClinVar (database versions not stated): gnomAD exomes below 0.00001; TOPMed 0.00002.

Submissions (3):

PreventionGenetics, part of Exact Sciences
Classification: Uncertain significance for RLBP1-related condition. Last evaluated: 2026-05-14. Review status: criteria provided, single submitter. Criteria: ACMG Guidelines, 2015. Collection method: clinical testing. Allele origin: germline.
Comment: The RLBP1 c.42G>C variant is predicted to result in the amino acid substitution p.Glu14Asp. To our knowledge, this variant has not been reported in the literature. This variant is absent in a large population database (gnomAD), indicating this variant is rare. At this time, the clinical significance of this variant is uncertain due to the absence of conclusive functional and genetic evidence.

Ambry Genetics
Classification: Uncertain significance for Inborn genetic diseases. Last evaluated: 2025-06-17. Review status: criteria provided, single submitter. Criteria: Ambry Variant Classification Scheme 2023. Collection method: clinical testing. Allele origin: germline.

Labcorp Genetics (formerly Invitae), Labcorp
Classification: Uncertain significance. Last evaluated: 2021-08-31. Review status: criteria provided, single submitter. Criteria: Invitae Variant Classification Sherloc (09022015). Collection method: clinical testing. Allele origin: germline.
Comment: This sequence change replaces glutamic acid with aspartic acid at codon 14 of the RLBP1 protein (p.Glu14Asp). The glutamic acid residue is moderately conserved and there is a small physicochemical difference between glutamic acid and aspartic acid. This variant is not present in population databases (ExAC no frequency). This variant has not been reported in the literature in individuals affected with RLBP1-related conditions. Algorithms developed to predict the effect of missense changes on protein structure and function are either unavailable or do not agree on the potential impact of this missense change (SIFT: "Deleterious"; PolyPhen-2: "Benign"; Align-GVGD: "Class C0"). In summary, the available evidence is currently insufficient to determine the role of this variant in disease. Therefore, it has been classified as a Variant of Uncertain Significance.

NM_000326.5(RLBP1):c.42G>C (p.Glu14Asp)

Gene: RLBP1 (retinaldehyde binding protein 1; minus strand). Cytogenetic location: 15q26.1.
Variant type: single nucleotide variant.
Coding change: c.42G>C on transcript NM_000326.5 (MANE Select); coding-DNA position 42, G replaced by C.
Protein change: p.Glu14Asp; replaces glutamic acid 14 with aspartic acid.
Molecular consequence: missense variant.
Genome position (GRCh38, 1-based): chr15:89,218,664, C>G on the plus strand (G>C on the coding strand, the complement: RLBP1 is on the minus strand). VCF-style: chr15-89218664-C-G. GRCh37 (hg19) VCF-style: chr15-89761895-C-G.
Other names: c.42G>C (NM_000326.4); short protein forms E14D.
Identifiers: ClinVar variation 1488077 (VCV001488077.7), dbSNP rs1041040938, ClinGen allele CA274536593.